The following is an entry in ClinVar:

NM_000368.5(TSC1):c.383T>C (p.Val128Ala)

Gene: TSC1 (TSC complex subunit 1; minus strand). Cytogenetic location: 9q34.13.
Variant type: single nucleotide variant.
Coding change: c.383T>C on transcript NM_000368.5 (MANE Select); coding-DNA position 383, T replaced by C.
Protein change: p.Val128Ala; replaces valine 128 with alanine.
Molecular consequence: missense variant.
Genome position (GRCh38, 1-based): chr9:132,923,473, A>G on the plus strand (T>C on the coding strand, the complement: TSC1 is on the minus strand). VCF-style: chr9-132923473-A-G. GRCh37 (hg19) VCF-style: chr9-135798860-A-G.
Other names: c.383T>C, p.Val128Ala (NM_001162426.2); c.230T>C, p.Val77Ala (NM_001162427.2); c.20T>C, p.Val7Ala (NM_001362177.2); short protein forms V128A, V7A, V77A.
Identifiers: ClinVar variation 659197 (VCV000659197.8), dbSNP rs1588350850, ClinGen allele CA375373683.

ClinVar aggregate classification (germline): Uncertain significance (1 of 4 stars; one submission).

Conditions:
Tuberous sclerosis 1 (TSC1). Identifiers: Orphanet 805, MedGen C1854465, MONDO:0008612, OMIM 191100.

Submission:

Labcorp Genetics (formerly Invitae), Labcorp
Classification: Uncertain significance for Tuberous sclerosis 1. Last evaluated: 2018-12-17. Review status: criteria provided, single submitter. Criteria: Invitae Variant Classification Sherloc (09022015). Collection method: clinical testing. Allele origin: germline.
Comment: In summary, the available evidence is currently insufficient to determine the role of this variant in disease. Therefore, it has been classified as a Variant of Uncertain Significance. Algorithms developed to predict the effect of missense changes on protein structure and function (SIFT, PolyPhen-2, Align-GVGD) all suggest that this variant is likely to be tolerated, but these predictions have not been confirmed by published functional studies and their clinical significance is uncertain. This variant has not been reported in the literature in individuals with TSC1-related conditions. This variant is not present in population databases (ExAC no frequency). This sequence change replaces valine with alanine at codon 128 of the TSC1 protein (p.Val128Ala). The valine residue is highly conserved and there is a small physicochemical difference between valine and alanine.